The following continues an entry in ClinVar:

NM_007294.4(BRCA1):c.3937C>T (p.Gln1313Ter)

ClinVar aggregate classification (germline): Pathogenic. Pathogenic (1).

Submissions 11 to 18 of 18:

St. Jude Molecular Pathology, St. Jude Children's Research Hospital
Classification: Pathogenic for Hereditary breast ovarian cancer syndrome. Last evaluated: 2021-06-24. Review status: criteria provided, single submitter. Criteria: St. Jude Assertion Criteria 2020. Collection method: clinical testing. Allele origin: germline. Not counted in ClinVar's aggregate classification.
Comment: The BRCA1 c.3937C>T (p.Gln1313Ter) change is a nonsense variant that is predicted to cause premature protein truncation and loss of normal protein function (PVS1). This variant is absent in gnomAD v2.1.1 (PM2_Supporting). This variant is also absent in the FLOSSIES database which contains genetic variants from women older than 70 years of age who have never had cancer. This variant has been reported in multiple families with breast and ovarian cancer (PS4; PMID: 7837387, 27153395, 29339979, 29446198, 30322717). In summary, this variant meets criteria to be classified as pathogenic based on the ACMG/AMP criteria: PVS1, PS4, PM2_Supporting.

Women's Health and Genetics/Laboratory Corporation of America, LabCorp
Classification: Pathogenic for Hereditary breast and ovarian cancer syndrome. Last evaluated: 2020-09-21. Review status: criteria provided, single submitter. Criteria: LabCorp Variant Classification Summary - May 2015. Collection method: clinical testing. Allele origin: germline. Not counted in ClinVar's aggregate classification.
Comment: Variant summary: BRCA1 c.3937C>T (p.Gln1313X) results in a premature termination codon, predicted to cause a truncation of the encoded protein or absence of the protein due to nonsense mediated decay, which are commonly known mechanisms for disease. Truncations downstream of this position have been classified as pathogenic by our laboratory. The variant was absent in 251230 control chromosomes (gnomAD). c.3937C>T has been reported in the literature in multiple individuals and families affected with Hereditary Breast And Ovarian Cancer Syndrome (e.g. Miki_1994, Lee_2011, Rummel_2013, Kang_2015, Rebbeck_2018). These data indicate that the variant is very likely to be associated with disease. Seven ClinVar submitters including an expert panel (ENIGMA) (evaluation after 2014) cite the variant as pathogenic. Based on the evidence outlined above, the variant was classified as pathogenic.

Sema4
Classification: Pathogenic for Hereditary cancer-predisposing syndrome. Last evaluated: 2020-08-05. Review status: criteria provided, single submitter. Criteria: Sema4 Curation Guidelines. Collection method: curation. Allele origin: germline. Not counted in ClinVar's aggregate classification.
Comment: The BRCA1 c.3937C>T p.Q1313X variant has been reported in heterozygosity in at least 21 individuals with hereditary breast and ovarian cancer (PMID: 29446198). This variant is expected to cause nonsense-mediated decay and result in an absence of the protein product. Loss of function variants in BRCA1 are known to be pathogenic (PMID: 20104584). This variant is not reported in the population database Genome Aggregation Database (PMID: 27535533). This variant has been classified as pathogenic by a ClinGen-approved expert panel. Based on the current evidence available, this variant is interpreted as pathogenic.

ARUP Laboratories, Molecular Genetics and Genomics, ARUP Laboratories
Classification: Pathogenic. Last evaluated: 2019-05-28. Review status: criteria provided, single submitter. Criteria: ARUP Molecular Germline Variant Investigation Process. Collection method: clinical testing. Allele origin: germline. Not counted in ClinVar's aggregate classification.
Comment: The BRCA1 c.3937C>T; p.Gln1313Ter variant (rs80357318), also known as 4056C>T, is reported in the literature in multiple individuals and families affected with breast and ovarian cancer (Heramb 2018, Kang 2015, Lee 2011, Maxwell 2016, Miki 1994, Rebbeck 2018, Shattuck-Eidens 1995). This variant is reported as pathogenic by multiple laboratories in ClinVar (Variation ID: 37556), and is absent from general population databases (Exome Variant Server, Genome Aggregation Database), indicating it is not a common polymorphism. This variant induces an early termination codon and is predicted to result in a truncated protein or mRNA subject to nonsense-mediated decay. Based on available information, this variant is considered to be pathogenic. References: Heramb C et al. BRCA1 and BRCA2 mutation spectrum - an update on mutation distribution in a large cancer genetics clinic in Norway. Hered Cancer Clin Pract. 2018 Jan 10;16:3. Kang E et al. The prevalence and spectrum of BRCA1 and BRCA2 mutations in Korean population: recent update of the Korean Hereditary Breast Cancer (KOHBRA) study. Breast Cancer Res Treat. 2015 May;151(1):157-68. Lee E et al. Characteristics of triple-negative breast cancer in patients with a BRCA1 mutation: results from a population-based study of young women. J Clin Oncol. 2011 Nov 20;29(33):4373-80. Maxwell KN et al. Evaluation of ACMG-Guideline-Based Variant Classification of Cancer Susceptibility and Non-Cancer-Associated Genes in Families Affected by Breast Cancer. Am J Hum Genet. 2016 May 5;98(5):801-817. Miki Y et al. A strong candidate for the breast and ovarian cancer susceptibility gene BRCA1. Science. 1994 Oct 7;266(5182):66-71. Rebbeck TR et al. Mutational spectrum in a worldwide study of 29,700 families with BRCA1 or BRCA2 mutations. Hum Mutat. 2018 May;39(5):593-620. Shattuck-Eidens D et al. A collaborative survey of 80 mutations in the BRCA1 breast and ovarian cancer susceptibility gene. Implications for presymptomatic testing and screening. JAMA. 1995 Feb 15;273(7):535-41.

Consortium of Investigators of Modifiers of BRCA1/2 (CIMBA), c/o University of Cambridge
Classification: Pathogenic for Breast-ovarian cancer, familial, susceptibility to, 1. Last evaluated: 2015-10-02. Review status: criteria provided, single submitter. Criteria: CIMBA Mutation Classification guidelines May 2016. Collection method: clinical testing. Allele origin: germline. Not counted in ClinVar's aggregate classification.

Research Molecular Genetics Laboratory, Women's College Hospital, University of Toronto
Classification: Pathogenic for Hereditary breast ovarian cancer syndrome. Last evaluated: 2014-01-31. Review status: no assertion criteria provided. Collection method: research. Allele origin: germline. Affected: yes. Study: The Canadian Open Genetics Repository (COGR). Not counted in ClinVar's aggregate classification.

Sharing Clinical Reports Project (SCRP)
Classification: Pathogenic for Breast-ovarian cancer, familial 1. Last evaluated: 2009-10-05. Review status: no assertion criteria provided. Collection method: clinical testing. Allele origin: germline. Not counted in ClinVar's aggregate classification.

Breast Cancer Information Core (BIC) (BRCA1)
Classification: Pathogenic for Breast-ovarian cancer, familial 1. Last evaluated: 2002-05-29. Review status: no assertion criteria provided. Collection method: clinical testing. Allele origin: germline. Affected: yes. Observed: 3 variant alleles. Not counted in ClinVar's aggregate classification.

Literature cited by the submitters: PubMed 20104584 (cited by Labcorp Genetics (formerly Invitae), Labcorp and Sema4); PubMed 7837387 (cited by Labcorp Genetics (formerly Invitae), Labcorp and Ambry Genetics); PubMed 22010008 (cited by 3 submitters); PubMed 25863477 (cited by 4 submitters); PubMed 27153395 (cited by 4 submitters); PubMed 21120943 (cited by Ambry Genetics and Color Diagnostics, LLC DBA Color Health); PubMed 28503720 (cited by Ambry Genetics and Color Diagnostics, LLC DBA Color Health); PubMed 29339979 (cited by Ambry Genetics and Quest Diagnostics Nichols Institute San Juan Capistrano); PubMed 29446198 (cited by 5 submitters); PubMed 30322717 (cited by Quest Diagnostics Nichols Institute San Juan Capistrano); PubMed 31742824 (cited by Quest Diagnostics Nichols Institute San Juan Capistrano); PubMed 34981296 (cited by Quest Diagnostics Nichols Institute San Juan Capistrano); PubMed 32341426 (cited by Quest Diagnostics Nichols Institute San Juan Capistrano and Color Diagnostics, LLC DBA Color Health); PubMed 7545954 (cited by Color Diagnostics, LLC DBA Color Health and Women's Health and Genetics/Laboratory Corporation of America, LabCorp); PubMed 16875939 (cited by Color Diagnostics, LLC DBA Color Health); PubMed 18284688 (cited by Color Diagnostics, LLC DBA Color Health); PubMed 23192404 (cited by Color Diagnostics, LLC DBA Color Health and Women's Health and Genetics/Laboratory Corporation of America, LabCorp).